The following is an entry in ClinVar:

NM_001267550.2(TTN):c.104438C>A (p.Thr34813Lys)

Genes: TTN (titin; minus strand), TTN-AS1 (TTN antisense RNA 1; plus strand). Cytogenetic location: 2q31.2.
Variant type: single nucleotide variant.
Coding change: c.104438C>A on transcript NM_001267550.2 (MANE Select); coding-DNA position 104438, C replaced by A.
Protein change: p.Thr34813Lys; replaces threonine 34813 with lysine.
Molecular consequence: missense variant.
Genome position (GRCh38, 1-based): chr2:178,532,177, G>T on the plus strand (C>A on the coding strand, the complement: TTN is on the minus strand). VCF-style: chr2-178532177-G-T. GRCh37 (hg19) VCF-style: chr2-179396904-G-T.
Other names: c.99515C>A, p.Thr33172Lys (NM_001256850.1); c.77243C>A, p.Thr25748Lys (NM_003319.4); c.96734C>A, p.Thr32245Lys (NM_133378.4); c.77618C>A, p.Thr25873Lys (NM_133432.3); c.77819C>A, p.Thr25940Lys (NM_133437.4); short protein forms T25748K, T25873K, T25940K, T34813K, T32245K, T33172K.
Identifiers: ClinVar variation 2932368 (VCV002932368.3), dbSNP rs764562534, ClinGen allele CA1985427.
Genomic context (GRCh38, chr2:178,532,177, plus strand): 5'-GCAGATGAGGATGATTCTCTTTGAGCATGTTTTGAGATTTCGTATTCTTCCTCAATTTCT[G>T]TTATTTCTGTCACTTCTCTTTGTCGCCTTGATTTCTTTCTAGACTTTTCCTCCTTTGACA-3'
Protein context (NP_001254479.2, residues 34803-34823): SRRQREVTEI[Thr34813Lys]EIEEEYEISK

ClinVar aggregate classification (germline): Uncertain significance (1 of 4 stars; one submission).

Conditions:
Autosomal recessive limb-girdle muscular dystrophy type 2J (LGMDR10). Also called: Limb-girdle muscular dystrophy, type 2J; MUSCULAR DYSTROPHY, LIMB-GIRDLE, AUTOSOMAL RECESSIVE 10. Identifiers: Orphanet 140922, MedGen C1837342, MONDO:0012127, OMIM 608807.
Dilated cardiomyopathy 1G (CMD1G). Identifiers: Orphanet 154, MedGen C1858763, MONDO:0011400, OMIM 604145.

Allele frequency attached by ClinVar (database versions not stated): ExAC 0.00001.

Submission:

Labcorp Genetics (formerly Invitae), Labcorp
Classification: Uncertain significance for Dilated cardiomyopathy 1G; Autosomal recessive limb-girdle muscular dystrophy type 2J. Last evaluated: 2024-05-22. Review status: criteria provided, single submitter. Criteria: Invitae Variant Classification Sherloc (09022015). Collection method: clinical testing. Allele origin: germline.
Comment: This sequence change replaces threonine, which is neutral and polar, with lysine, which is basic and polar, at codon 34813 of the TTN protein (p.Thr34813Lys). This variant is present in population databases (rs764562534, gnomAD 0.006%). This variant has not been reported in the literature in individuals affected with TTN-related conditions. Experimental studies and prediction algorithms are not available or were not evaluated, and the functional significance of this variant is currently unknown. This variant is located in the M band of TTN (PMID: 25589632). Non-truncating variants in this region may be relevant for neuromuscular disorders, but have not been definitively shown to cause cardiomyopathy (PMID: 23975875). In summary, the available evidence is currently insufficient to determine the role of this variant in disease. Therefore, it has been classified as a Variant of Uncertain Significance.

Literature cited by the submitters: PubMed 25589632; PubMed 23975875.